The following is an entry in ClinVar:

ClinVar aggregate classification (germline): Conflicting classifications of pathogenicity. Review status: criteria provided, conflicting classifications (1 of 4 stars). 5 submissions from 5 submitters: Uncertain significance (3); Likely benign (2). Last evaluated 2026-02-02.

Conditions:
Inborn genetic diseases. Identifiers: MedGen C0950123, MeSH D030342.
Hereditary insensitivity to pain with anhidrosis (CIPA). Also called: hereditary sensory and autonomic neuropathy type 4; NEUROPATHY, CONGENITAL SENSORY, WITH ANHIDROSIS; INSENSITIVITY TO PAIN, CONGENITAL, WITH ANHIDROSIS; HSAN Type IV; NTRK1 Congenital Insensitivity to Pain with Anhidrosis; FAMILIAL DYSAUTONOMIA, TYPE II. Identifiers: Orphanet 642, MedGen C0020074, MONDO:0009746, OMIM 256800.
NTRK1-related disorder. Also called: NTRK1-related condition.

Allele frequency attached by ClinVar (database versions not stated): gnomAD exomes 0.00006 and 0.00020; ESP Exome Variant Server 0.00008; gnomAD 0.00026 and 0.00029; TOPMed 0.00073; 1000 Genomes Project 30x 0.00016; ExAC 0.00017; 1000 Genomes Project 0.00020.
gnomAD v4.1: 129 of 1,614,052 alleles (0.008%); highest among the groups gnomAD compares: East Asian, 0.087%; no homozygotes.

Submissions (5):

Labcorp Genetics (formerly Invitae), Labcorp
Classification: Likely benign for Hereditary insensitivity to pain with anhidrosis. Last evaluated: 2026-02-02. Review status: criteria provided, single submitter. Criteria: Invitae Variant Classification Sherloc (09022015). Collection method: clinical testing. Allele origin: germline.

PreventionGenetics, part of Exact Sciences
Classification: Likely benign for NTRK1-related condition. Last evaluated: 2025-06-03. Review status: criteria provided, single submitter. Criteria: ACMG Guidelines, 2015. Collection method: clinical testing. Allele origin: germline.
Comment: This variant is classified as likely benign based on ACMG/AMP sequence variant interpretation guidelines (Richards et al. 2015 PMID: 25741868, with internal and published modifications).

ARUP Laboratories, Molecular Genetics and Genomics, ARUP Laboratories
Classification: Uncertain significance for Hereditary insensitivity to pain with anhidrosis. Last evaluated: 2024-08-29. Review status: criteria provided, single submitter. Criteria: ARUP Molecular Germline Variant Investigation Process 2024. Collection method: clinical testing. Allele origin: germline.
Comment: The NTRK1 c.295G>A; p.Val99Met variant (rs201509045, ClinVar Variation ID: 456616) is reported in the literature in an individuals affected with prostate cancer, though no other evidence of causality was presented (Liang 2022). This variant is found in the East Asian population with an allele frequency of 0.16% (32/19,942 alleles) in the Genome Aggregation Database (v2.1.1). Computational analyses are uncertain whether this variant is neutral or deleterious (REVEL: 0.335). Due to limited information, the clinical significance of this variant is uncertain at this time. References: Liang Y et al. Whole-exome sequencing reveals a comprehensive germline mutation landscape and identifies twelve novel predisposition genes in Chinese prostate cancer patients. PLoS Genet. 2022 Sep 12;18(9):e1010373. PMID: 36095024

Ambry Genetics
Classification: Uncertain significance for Inborn genetic diseases. Last evaluated: 2021-11-24. Review status: criteria provided, single submitter. Criteria: Ambry Variant Classification Scheme 2023. Collection method: clinical testing. Allele origin: germline.

CeGaT Center for Human Genetics Tuebingen
Classification: Uncertain significance. Last evaluated: 2021-04-01. Review status: criteria provided, single submitter. Criteria: CeGaT Center For Human Genetics Tuebingen Variant Classification Criteria Version 2. Collection method: clinical testing. Allele origin: germline. Affected: yes. Observed: 1 variant allele.

NM_002529.4(NTRK1):c.295G>A (p.Val99Met)

Gene: NTRK1 (neurotrophic receptor tyrosine kinase 1; plus strand). Cytogenetic location: 1q23.1.
Variant type: single nucleotide variant.
Coding change: c.295G>A on transcript NM_002529.4 (MANE Select); coding-DNA position 295, G replaced by A.
Protein change: p.Val99Met; replaces valine 99 with methionine.
Molecular consequence: missense variant.
Genome position (GRCh38, 1-based): chr1:156,864,735, G>A. VCF-style: chr1-156864735-G-A. GRCh37 (hg19) VCF-style: chr1-156834527-G-A.
Other names: c.295G>A (NM_002529.3); c.205G>A, p.Val69Met (NM_001007792.1); c.295G>A, p.Val99Met (NM_001012331.2); short protein forms V99M, V69M.
Identifiers: ClinVar variation 456616 (VCV000456616.47), dbSNP rs201509045, ClinGen allele CA1168904.